The following is an entry in ClinVar:

NM_024408.4(NOTCH2):c.5542G>A (p.Asp1848Asn)

Gene: NOTCH2 (notch receptor 2; minus strand). Cytogenetic location: 1p12.
Variant type: single nucleotide variant.
Coding change: c.5542G>A on transcript NM_024408.4 (MANE Select); coding-DNA position 5542, G replaced by A.
Protein change: p.Asp1848Asn; replaces aspartic acid 1848 with asparagine.
Molecular consequence: missense variant.
Genome position (GRCh38, 1-based): chr1:119,919,551, C>T on the plus strand (G>A on the coding strand, the complement: NOTCH2 is on the minus strand). VCF-style: chr1-119919551-C-T. GRCh37 (hg19) VCF-style: chr1-120462174-C-T.
Other names: short protein forms D1848N.
Identifiers: ClinVar variation 2632636 (VCV002632636.1), dbSNP rs2526120257, ClinGen allele CA341884850.
Genomic context (GRCh38, chr1:119,919,551, plus strand): 5'-TGGCACCCTGGTAGACCAAGTCTGTGATGATGTTAGCAGAAGAGTCCTCTGCATCTTCAT[C>T]TTCATCACTCAAATCTGAGCTGCCTCCTCGGAGAGAAGCCAACATCAATGGGGTGCAGCC-3'
Protein context (NP_077719.2, residues 1838-1858): RGGSSDLSDE[Asp1848Asn]EDAEDSSANI

ClinVar aggregate classification (germline): Uncertain significance (1 of 4 stars; one submission).

Conditions:
NOTCH2-related disorder. Also called: NOTCH2-related condition.

Allele frequency attached by ClinVar (database versions not stated): gnomAD exomes below 0.00001.
gnomAD v4.1: 2 of 1,614,180 alleles (0.00012%); highest among the groups gnomAD compares: Non-Finnish European, 0.00017%; no homozygotes.

Submission:

PreventionGenetics, part of Exact Sciences
Classification: Uncertain significance for NOTCH2-related condition. Last evaluated: 2023-06-14. Review status: criteria provided, single submitter. Criteria: ACMG Guidelines, 2015. Collection method: clinical testing. Allele origin: germline.
Comment: The NOTCH2 c.5542G>A variant is predicted to result in the amino acid substitution p.Asp1848Asn. To our knowledge, this variant has not been reported in the literature or in a large population database, indicating this variant is rare. At this time, the clinical significance of this variant is uncertain due to the absence of conclusive functional and genetic evidence.